The following is an entry in ClinVar:

ClinVar aggregate classification (germline): Likely benign (1 of 4 stars; one submission).

Conditions:
LSR-related condition.

Submission:

PreventionGenetics, part of Exact Sciences
Classification: Likely benign for LSR-related condition. Last evaluated: 2025-12-22. Review status: criteria provided, single submitter. Criteria: ACMG Guidelines, 2015. Collection method: clinical testing. Allele origin: germline.
Comment: This variant is classified as likely benign based on ACMG/AMP sequence variant interpretation guidelines (Richards et al. 2015 PMID: 25741868, with internal and published modifications).

NM_205834.4(LSR):c.631+5G>C

Gene: LSR (lipolysis stimulated lipoprotein receptor; plus strand). Cytogenetic location: 19q13.12.
Variant type: single nucleotide variant.
Coding change: c.631+5G>C on transcript NM_205834.4 (MANE Select); 5 bases into the intron after coding-DNA position 631, G replaced by C.
Molecular consequence: intron variant.
Genome position (GRCh38, 1-based): chr19:35,261,986, G>C. VCF-style: chr19-35261986-G-C. GRCh37 (hg19) VCF-style: chr19-35752889-G-C.
Other names: c.575-560G>C (NM_015925.7, NM_001260489.2); c.574+2922G>C (NM_205835.4, NM_001385215.1); c.455-4373G>C (NM_001260490.2).
Identifiers: ClinVar variation 4979291 (VCV004979291.1).